The following is an entry in ClinVar:

NM_001376.5(DYNC1H1):c.12684+19A>G

Gene: DYNC1H1 (dynein cytoplasmic 1 heavy chain 1; plus strand). Cytogenetic location: 14q32.31.
Variant type: single nucleotide variant.
Coding change: c.12684+19A>G on transcript NM_001376.5 (MANE Select); 19 bases into the intron after coding-DNA position 12684, A replaced by G.
Molecular consequence: intron variant.
Genome position (GRCh38, 1-based): chr14:102,044,064, A>G. VCF-style: chr14-102044064-A-G. GRCh37 (hg19) VCF-style: chr14-102510401-A-G.
Identifiers: ClinVar variation 388520 (VCV000388520.9), dbSNP rs377124918, ClinGen allele CA7353994.

ClinVar aggregate classification (germline): Benign/Likely benign. Review status: criteria provided, multiple submitters, no conflicts (2 of 4 stars). 2 submissions from 2 submitters: Benign (1); Likely benign (1). Last evaluated 2025-11-13.

Conditions:
Charcot-Marie-Tooth disease axonal type 2O. Also called: CHARCOT-MARIE-TOOTH NEUROPATHY, AXONAL, TYPE 2O; CHARCOT-MARIE-TOOTH DISEASE, AXONAL, AUTOSOMAL DOMINANT, TYPE 2O; Charcot-Marie-Tooth disease, axonal, type 20; Charcot-Marie-Tooth Neuropathy Type 2O. Identifiers: Orphanet 284232, MedGen C3280220, MONDO:0013644, OMIM 614228.

Allele frequency attached by ClinVar (database versions not stated): gnomAD exomes 0.00006 and 0.00016; ExAC 0.00018; ESP Exome Variant Server 0.00038; 1000 Genomes Project 30x 0.00062; gnomAD 0.00063 and 0.00068; TOPMed 0.00064; 1000 Genomes Project 0.00080.
gnomAD v4.1: 175 of 1,612,978 alleles (0.011%); highest among the groups gnomAD compares: African/African-American, 0.22%; 1 homozygote.

Submissions (2):

Labcorp Genetics (formerly Invitae), Labcorp
Classification: Benign for Charcot-Marie-Tooth disease axonal type 2O. Last evaluated: 2025-11-13. Review status: criteria provided, single submitter. Criteria: Invitae Variant Classification Sherloc (09022015). Collection method: clinical testing. Allele origin: germline.

GeneDx
Classification: Likely benign. Last evaluated: 2016-08-11. Review status: criteria provided, single submitter. Criteria: GeneDx Variant Classification (06012015). Collection method: clinical testing. Allele origin: germline. Affected: yes.
Comment: This variant is considered likely benign or benign based on one or more of the following criteria: it is a conservative change, it occurs at a poorly conserved position in the protein, it is predicted to be benign by multiple in silico algorithms, and/or has population frequency not consistent with disease.